The following is an entry in ClinVar:

NM_001077653.2(TBX20):c.559C>T (p.Pro187Ser)

Gene: TBX20 (T-box transcription factor 20; minus strand). Cytogenetic location: 7p14.2.
Variant type: single nucleotide variant.
Coding change: c.559C>T on transcript NM_001077653.2 (MANE Select); coding-DNA position 559, C replaced by T.
Protein change: p.Pro187Ser; replaces proline 187 with serine.
Molecular consequence: missense variant.
Genome position (GRCh38, 1-based): chr7:35,245,044, G>A on the plus strand (C>T on the coding strand, the complement: TBX20 is on the minus strand). VCF-style: chr7-35245044-G-A. GRCh37 (hg19) VCF-style: chr7-35284656-G-A.
Other names: c.559C>T, p.Pro187Ser (NM_001166220.1); short protein forms P187S.
Identifiers: ClinVar variation 2585861 (VCV002585861.2), dbSNP rs2128715277, ClinGen allele CA367264473.

ClinVar aggregate classification (germline): Uncertain significance (1 of 4 stars; one submission).

Conditions:
Cardiovascular phenotype. Identifiers: MedGen CN230736.

Allele frequency attached by ClinVar (database versions not stated): gnomAD exomes below 0.00001.
gnomAD v4.1: 5 of 1,612,840 alleles (0.00031%); highest among the groups gnomAD compares: Non-Finnish European, 0.00042%; no homozygotes.

Submission:

Ambry Genetics
Classification: Uncertain significance for Cardiovascular phenotype. Last evaluated: 2023-07-10. Review status: criteria provided, single submitter. Criteria: Ambry Variant Classification Scheme 2023. Collection method: clinical testing. Allele origin: germline.
Comment: The p.P187S variant (also known as c.559C>T), located in coding exon 4 of the TBX20 gene, results from a C to T substitution at nucleotide position 559. The proline at codon 187 is replaced by serine, an amino acid with similar properties. This amino acid position is conserved. In addition, this alteration is predicted to be deleterious by in silico analysis. Since supporting evidence is limited at this time, the clinical significance of this alteration remains unclear.